The following is an entry in ClinVar:

NM_003235.5(TG):c.6605C>G (p.Pro2202Arg)

Gene: TG (thyroglobulin; plus strand). Cytogenetic location: 8q24.22.
Variant type: single nucleotide variant.
Coding change: c.6605C>G on transcript NM_003235.5 (MANE Select); coding-DNA position 6605, C replaced by G.
Protein change: p.Pro2202Arg; replaces proline 2202 with arginine.
Molecular consequence: missense variant.
Genome position (GRCh38, 1-based): chr8:133,017,820, C>G. VCF-style: chr8-133017820-C-G. GRCh37 (hg19) VCF-style: chr8-134030065-C-G.
Other names: short protein forms P2202R.
Identifiers: ClinVar variation 910240 (VCV000910240.13), dbSNP rs150133670, ClinGen allele CA4884987.

ClinVar aggregate classification (germline): Uncertain significance. Review status: criteria provided, multiple submitters, no conflicts (2 of 4 stars). 4 submissions from 4 submitters: Uncertain significance (4). Last evaluated 2025-07-05.

Conditions:
Iodotyrosyl coupling defect (TDH3). Also called: HYPOTHYROIDISM, CONGENITAL, DUE TO DYSHORMONOGENESIS, 3; THYROID HORMONOGENESIS, GENETIC DEFECT IN, 3. Identifiers: Orphanet 95716, MedGen C0342194, MONDO:0010135, OMIM 274700.

Allele frequency attached by ClinVar (database versions not stated): gnomAD 0.00035 and 0.00036; 1000 Genomes Project 0.00040; gnomAD exomes 0.00041 and 0.00046; TOPMed 0.00042; ExAC 0.00050; 1000 Genomes Project 30x 0.00062; ESP Exome Variant Server 0.00062.
gnomAD v4.1: 726 of 1,614,206 alleles (0.045%); highest among the groups gnomAD compares: South Asian, 0.15%; 1 homozygote.

Submissions (4):

GeneDx
Classification: Uncertain significance. Last evaluated: 2025-07-05. Review status: criteria provided, single submitter. Criteria: GeneDx Variant Classification Process June 2021. Collection method: clinical testing. Allele origin: germline. Affected: yes.
Comment: In silico analysis suggests that this missense variant does not alter protein structure/function; This variant is associated with the following publications: (PMID: 34426522, 23164529)

Genomic Medicine Center of Excellence, King Faisal Specialist Hospital and Research Centre
Classification: Uncertain significance for Iodotyrosyl coupling defect. Last evaluated: 2024-03-29. Review status: criteria provided, single submitter. Criteria: ACMG Guidelines, 2015. Collection method: clinical testing. Allele origin: germline.

Women's Health and Genetics/Laboratory Corporation of America, LabCorp
Classification: Uncertain significance. Last evaluated: 2024-03-19. Review status: criteria provided, single submitter. Criteria: LabCorp Variant Classification Summary - May 2015. Collection method: clinical testing. Allele origin: germline.
Comment: Variant summary: TG c.6605C>G (p.Pro2202Arg) results in a non-conservative amino acid change located in the Carboxylesterase, type B domain (IPR002018) of the encoded protein sequence. Four of five in-silico tools predict a benign effect of the variant on protein function. The variant allele was found at a frequency of 0.00041 in 251358 control chromosomes (gnomAD). c.6605C>G (also known as p.P2183R) has been reported in the literature in at-least one individuals affected with TG-Related Disorder (example: Citterio_2013). This report does not provide unequivocal conclusions about association of the variant with TG-Related Disorders. To our knowledge, no experimental evidence demonstrating an impact on protein function has been reported. The following publication has been ascertained in the context of this evaluation (PMID: 23164529). ClinVar contains an entry for this variant (Variation ID: 910240). Based on the evidence outlined above, the variant was classified as uncertain significance.

Illumina Laboratory Services, Illumina
Classification: Uncertain significance for Iodotyrosyl coupling defect. Last evaluated: 2017-09-21. Review status: criteria provided, single submitter. Criteria: ICSL Variant Classification Criteria 13 December 2019. Collection method: clinical testing. Allele origin: germline.
Comment: This variant was observed as part of a predisposition screen in an ostensibly healthy population. A literature search was performed for the gene, cDNA change, and amino acid change (where applicable). Publications were found based on this search. However, the evidence from the literature, in combination with allele frequency data from public databases where available, was not sufficient to rule this variant in or out of causing disease. Therefore, this variant is classified as a variant of unknown significance.

Literature cited by the submitters: PubMed 23164529 (cited by Women's Health and Genetics/Laboratory Corporation of America, LabCorp and Illumina Laboratory Services, Illumina); PubMed 26595189 (cited by Illumina Laboratory Services, Illumina).